The following is an entry in ClinVar:

ClinVar aggregate classification (germline): Conflicting classifications of pathogenicity. Review status: criteria provided, conflicting classifications (1 of 4 stars). 2 submissions from 2 submitters: Uncertain significance (1); Likely benign (1). Last evaluated 2026-06-03.

Conditions:
Cardiovascular phenotype. Identifiers: MedGen CN230736.
Hereditary cancer-predisposing syndrome. Also called: Hereditary neoplastic syndrome; Neoplastic Syndromes, Hereditary; Tumor predisposition; Hereditary Cancer Syndrome. Identifiers: Orphanet 140162, MedGen C0027672, MeSH D009386, MONDO:0015356.
Neurofibromatosis, type 1 (NF1). Also called: Peripheral type neurofibromatosis; NEUROFIBROMATOSIS, TYPE I, SOMATIC; Neurofibromatosis, type I; VON RECKLINGHAUSEN DISEASE. Identifiers: Orphanet 636, MedGen C0027831, MONDO:0018975, OMIM 162200. Disease mechanism: loss of function.

Submissions (2):

Ambry Genetics
Classification: Likely benign for Cardiovascular phenotype; Hereditary cancer-predisposing syndrome. Last evaluated: 2026-06-03. Review status: criteria provided, single submitter. Criteria: Ambry Variant Classification Scheme 2023. Collection method: clinical testing. Allele origin: germline.

Labcorp Genetics (formerly Invitae), Labcorp
Classification: Uncertain significance for Neurofibromatosis, type 1. Last evaluated: 2024-11-03. Review status: criteria provided, single submitter. Criteria: Invitae Variant Classification Sherloc (09022015). Collection method: clinical testing. Allele origin: germline.
Comment: This sequence change replaces asparagine, which is neutral and polar, with serine, which is neutral and polar, at codon 359 of the NF1 protein (p.Asn359Ser). This variant is not present in population databases (gnomAD no frequency). This variant has not been reported in the literature in individuals affected with NF1-related conditions. ClinVar contains an entry for this variant (Variation ID: 2962472). Invitae Evidence Modeling of protein sequence and biophysical properties (such as structural, functional, and spatial information, amino acid conservation, physicochemical variation, residue mobility, and thermodynamic stability) indicates that this missense variant is expected to disrupt NF1 protein function with a positive predictive value of 95%. In summary, the available evidence is currently insufficient to determine the role of this variant in disease. Therefore, it has been classified as a Variant of Uncertain Significance.

NM_001042492.3(NF1):c.1076A>G (p.Asn359Ser)

Gene: NF1 (neurofibromin 1; plus strand). Cytogenetic location: 17q11.2.
Variant type: single nucleotide variant.
Coding change: c.1076A>G on transcript NM_001042492.3 (MANE Select); coding-DNA position 1076, A replaced by G.
Protein change: p.Asn359Ser; replaces asparagine 359 with serine.
Molecular consequence: missense variant.
Genome position (GRCh38, 1-based): chr17:31,201,050, A>G. VCF-style: chr17-31201050-A-G. GRCh37 (hg19) VCF-style: chr17-29528068-A-G.
Other names: c.1076A>G, p.Asn359Ser (NM_000267.4, NM_001128147.3); short protein forms N359S.
Identifiers: ClinVar variation 2962472 (VCV002962472.5), dbSNP rs2143878548, ClinGen allele CA398996732.
Genomic context (GRCh38, chr17:31,201,050, plus strand): 5'-CTGCATGGGTATTTAAAGGCTTTTGTTTTCTGTTGGGGTTTTTATAGAACCTGCTTTTTA[A>G]TCCAAGTAAGCCATTCTCAAGAGGCAGTCAGCCTGCAGATGTGGATCTAATGATTGACTG-3'
Protein context (NP_001035957.1, residues 349-369): MVVDLKNLLF[Asn359Ser]PSKPFSRGSQ